The following is an entry in ClinVar:

NM_000057.4(BLM):c.1492A>T (p.Lys498Ter)

Gene: BLM (BLM RecQ like helicase; plus strand). Cytogenetic location: 15q26.1.
Variant type: single nucleotide variant.
Coding change: c.1492A>T on transcript NM_000057.4 (MANE Select); coding-DNA position 1492, A replaced by T.
Protein change: p.Lys498Ter; replaces lysine 498 with a stop codon.
Molecular consequence: nonsense.
Genome position (GRCh38, 1-based): chr15:90,760,865, A>T. VCF-style: chr15-90760865-A-T. GRCh37 (hg19) VCF-style: chr15-91304095-A-T.
Other names: c.1492A>T, p.Lys498Ter (NM_001287246.2, NM_001287247.2); c.367A>T, p.Lys123Ter (NM_001287248.2); short protein forms K123*, K498*.
Identifiers: ClinVar variation 1068806 (VCV001068806.8), dbSNP rs2151158332, ClinGen allele CA393843177.
Genomic context (GRCh38, chr15:90,760,865, plus strand): 5'-GGATTCTCTGCCACCAGGAAGAATCTTTTTGAAAGGCCTTTATTCAATACCCATTTACAG[A>T]AGTCCTTTGTAAGTAGCAACTGGGCTGAAACACCAAGACTAGGAAAAAAAAATGAAAGCT-3'

ClinVar aggregate classification (germline): Pathogenic/Likely pathogenic. Review status: criteria provided, multiple submitters, no conflicts (2 of 4 stars). 2 submissions from 2 submitters: Pathogenic (1); Likely pathogenic (1). Last evaluated 2026-01-24.

Conditions:
Bloom syndrome (BLM). Also called: Bloom-Torre-Machacek syndrome. Identifiers: Orphanet 125, MedGen C0005859, MONDO:0008876, OMIM 210900.

Submissions (2):

Labcorp Genetics (formerly Invitae), Labcorp
Classification: Pathogenic for Bloom syndrome. Last evaluated: 2026-01-24. Review status: criteria provided, single submitter. Criteria: Invitae Variant Classification Sherloc (09022015). Collection method: clinical testing. Allele origin: germline.
Comment: This sequence change creates a premature translational stop signal (p.Lys498*) in the BLM gene. It is expected to result in an absent or disrupted protein product. Loss-of-function variants in BLM are known to be pathogenic (PMID: 17407155). This variant is not present in population databases (gnomAD no frequency). This variant has not been reported in the literature in individuals affected with BLM-related conditions. ClinVar contains an entry for this variant (Variation ID: 1068806). For these reasons, this variant has been classified as Pathogenic.

Fulgent Genetics
Classification: Likely pathogenic for Bloom syndrome. Last evaluated: 2021-12-10. Review status: criteria provided, single submitter. Criteria: ACMG Guidelines, 2015. Collection method: clinical testing. Allele origin: unknown.

Literature cited by the submitters: PubMed 17407155 (cited by Labcorp Genetics (formerly Invitae), Labcorp).